The following is an entry in ClinVar:

ClinVar aggregate classification (germline): Uncertain significance (1 of 4 stars; one submission).

Conditions:
Inborn genetic diseases. Identifiers: MedGen C0950123, MeSH D030342.

Submission:

Ambry Genetics
Classification: Uncertain significance for Inborn genetic diseases. Last evaluated: 2025-10-25. Review status: criteria provided, single submitter. Criteria: Ambry Variant Classification Scheme 2023. Collection method: clinical testing. Allele origin: germline.
Comment: The p.D262A variant (also known as c.785A>C), located in coding exon 1 of the SAMD9L gene, results from an A to C substitution at nucleotide position 785. The aspartic acid at codon 262 is replaced by alanine, an amino acid with dissimilar properties. This amino acid position is conserved. In addition, this alteration is predicted to be tolerated by in silico analysis. Based on the available evidence, the clinical significance of this variant remains unclear.

NM_152703.5(SAMD9L):c.785A>C (p.Asp262Ala)

Gene: SAMD9L (sterile alpha motif domain containing 9 like; minus strand). Cytogenetic location: 7q21.2.
Variant type: single nucleotide variant.
Coding change: c.785A>C on transcript NM_152703.5 (MANE Select); coding-DNA position 785, A replaced by C.
Protein change: p.Asp262Ala; replaces aspartic acid 262 with alanine.
Molecular consequence: missense variant.
Genome position (GRCh38, 1-based): chr7:93,135,187, T>G on the plus strand (A>C on the coding strand, the complement: SAMD9L is on the minus strand). VCF-style: chr7-93135187-T-G. GRCh37 (hg19) VCF-style: chr7-92764500-T-G.
Other names: c.785A>C, p.Asp262Ala (NM_001303496.3, NM_001303497.3, NM_001303498.3 and 5 more transcripts); short protein forms D262A.
Identifiers: ClinVar variation 4630075 (VCV004630075.1).